The following is an entry in ClinVar:

NM_000257.4(MYH7):c.1640C>T (p.Thr547Ile)

Gene: MYH7 (myosin heavy chain 7; minus strand). Cytogenetic location: 14q11.2.
Variant type: single nucleotide variant.
Coding change: c.1640C>T on transcript NM_000257.4 (MANE Select); coding-DNA position 1640, C replaced by T.
Protein change: p.Thr547Ile; replaces threonine 547 with isoleucine.
Molecular consequence: missense variant.
Genome position (GRCh38, 1-based): chr14:23,427,833, G>A on the plus strand (C>T on the coding strand, the complement: MYH7 is on the minus strand). VCF-style: chr14-23427833-G-A. GRCh37 (hg19) VCF-style: chr14-23897042-G-A.
Other names: c.1640C>T, p.Thr547Ile (NM_001407004.1); short protein forms T547I.
Identifiers: ClinVar variation 2498591 (VCV002498591.30), dbSNP rs876657878, ClinGen allele CA389050136.

ClinVar aggregate classification (germline): Conflicting classifications of pathogenicity. Review status: criteria provided, conflicting classifications (1 of 4 stars). 2 submissions from 2 submitters: Likely pathogenic (1); Uncertain significance (1). Last evaluated 2024-06-24.

Conditions:
Hypertrophic cardiomyopathy. Also called: HYPERTROPHIC MYOCARDIOPATHY. Identifiers: Orphanet 217569, MedGen C0007194, MeSH D002312, MONDO:0005045, HP:0001639.

Submissions (2):

Labcorp Genetics (formerly Invitae), Labcorp
Classification: Uncertain significance for Hypertrophic cardiomyopathy. Last evaluated: 2024-06-24. Review status: criteria provided, single submitter. Criteria: Invitae Variant Classification Sherloc (09022015). Collection method: clinical testing. Allele origin: germline.
Comment: This sequence change replaces threonine, which is neutral and polar, with isoleucine, which is neutral and non-polar, at codon 547 of the MYH7 protein (p.Thr547Ile). This variant is not present in population databases (gnomAD no frequency). This variant has not been reported in the literature in individuals affected with MYH7-related conditions. ClinVar contains an entry for this variant (Variation ID: 2498591). Advanced modeling of protein sequence and biophysical properties (such as structural, functional, and spatial information, amino acid conservation, physicochemical variation, residue mobility, and thermodynamic stability) performed at Invitae indicates that this missense variant is expected to disrupt MYH7 protein function with a positive predictive value of 95%. In summary, the available evidence is currently insufficient to determine the role of this variant in disease. Therefore, it has been classified as a Variant of Uncertain Significance.

CeGaT Center for Human Genetics Tuebingen
Classification: Likely pathogenic. Last evaluated: 2023-01-01. Review status: criteria provided, single submitter. Criteria: CeGaT Center For Human Genetics Tuebingen Variant Classification Criteria Version 2. Collection method: clinical testing. Allele origin: germline. Affected: yes. Observed: 1 variant allele.
Comment: MYH7: PM1, PM2, PS2:Moderate